The following is an entry in ClinVar:

ClinVar aggregate classification (germline): Uncertain significance (1 of 4 stars; one submission).

Conditions:
Familial adenomatous polyposis 2. Also called: MUTYH-associated polyposis; MUTYH-related attenuated familial adenomatous polyposis; FAP type 2; Adenomas, multiple colorectal; MYH-associated polyposis; MUTYH Polyposis. Identifiers: Orphanet 220460, Orphanet 247798, MedGen C3272841, MONDO:0012041, OMIM 608456.

Submission:

Labcorp Genetics (formerly Invitae), Labcorp
Classification: Uncertain significance for Familial adenomatous polyposis 2. Last evaluated: 2022-10-07. Review status: criteria provided, single submitter. Criteria: Invitae Variant Classification Sherloc (09022015). Collection method: clinical testing. Allele origin: germline.
Comment: This sequence change replaces valine, which is neutral and non-polar, with isoleucine, which is neutral and non-polar, at codon 258 of the MUTYH protein (p.Val258Ile). This variant is not present in population databases (gnomAD no frequency). This variant has not been reported in the literature in individuals affected with MUTYH-related conditions. Algorithms developed to predict the effect of missense changes on protein structure and function output the following: SIFT: "Tolerated"; PolyPhen-2: "Benign"; Align-GVGD: "Class C0". The isoleucine amino acid residue is found in multiple mammalian species, which suggests that this missense change does not adversely affect protein function. In summary, the available evidence is currently insufficient to determine the role of this variant in disease. Therefore, it has been classified as a Variant of Uncertain Significance.

NM_001048174.2(MUTYH):c.688G>A (p.Val230Ile)

Gene: MUTYH (mutY DNA glycosylase; minus strand). Cytogenetic location: 1p34.1.
Variant type: single nucleotide variant.
Coding change: c.688G>A on transcript NM_001048174.2 (MANE Select); coding-DNA position 688, G replaced by A.
Protein change: p.Val230Ile; replaces valine 230 with isoleucine.
Molecular consequence: missense variant. On other transcripts: non-coding transcript variant (2).
Genome position (GRCh38, 1-based): chr1:45,332,407, C>T on the plus strand (G>A on the coding strand, the complement: MUTYH is on the minus strand). VCF-style: chr1-45332407-C-T. GRCh37 (hg19) VCF-style: chr1-45798079-C-T.
Other names: c.412G>A, p.Val138Ile (NM_001293192.2, NM_001293196.2, NM_001407091.1); c.688G>A, p.Val230Ile (NM_001293195.2, NM_001407070.1, NM_001407072.1 and 6 more transcripts); c.343G>A, p.Val115Ile (NM_001350650.2, NM_001350651.2, NM_001407082.1); c.721G>A, p.Val241Ile (NM_001407069.1, NM_001407077.1, NM_001293191.2); c.691G>A, p.Val231Ile (NM_001407071.1, NM_001407078.1, NM_001407086.1 and 1 more transcripts); c.604G>A, p.Val202Ile (NM_001407075.1); c.649G>A, p.Val217Ile (NM_001407079.1); c.646G>A, p.Val216Ile (NM_001407080.1); and 5 more; short protein forms V115I, V138I, V202I, V216I, V217I, V230I, V231I, V237I.
Identifiers: ClinVar variation 1713352 (VCV001713352.5), dbSNP rs2524107079, ClinGen allele CA340134781.